The following is an entry in ClinVar:

NM_000051.4(ATM):c.5316A>G (p.Lys1772=)

Gene: ATM (ATM serine/threonine kinase; plus strand). Cytogenetic location: 11q22.3.
Variant type: single nucleotide variant.
Coding change: c.5316A>G on transcript NM_000051.4 (MANE Select); coding-DNA position 5316, A replaced by G.
Protein change: p.Lys1772=; no amino-acid change (lysine 1772 retained).
Molecular consequence: synonymous variant.
Genome position (GRCh38, 1-based): chr11:108,301,786, A>G. VCF-style: chr11-108301786-A-G. GRCh37 (hg19) VCF-style: chr11-108172513-A-G.
Other names: c.5316A>G, p.Lys1772= (NM_001351834.2).
Identifiers: ClinVar variation 1746785 (VCV001746785.3), dbSNP rs2135915886, ClinGen allele CA476674837.
Genomic context (GRCh38, chr11:108,301,786, plus strand): 5'-TTATAAGATGACAACAGATCCAATGCTGGCCTATCTACAGCCTTTTAGAACATCAAGAAA[A>G]AAGGTCTCTTAAGTAATAAATGTTTATTGAATACCCAGCATATCTAAAACAGTTCTGTTT-3'
Protein context (NP_000042.3, residues 1762-1782): AYLQPFRTSR[Lys1772=]KFLEVPRFDK

ClinVar aggregate classification (germline): Benign/Likely benign. Review status: criteria provided, multiple submitters, no conflicts (2 of 4 stars). 2 submissions from 2 submitters: Benign (1); Likely benign (1). Last evaluated 2024-05-22.

Conditions:
Hereditary cancer-predisposing syndrome. Also called: Hereditary Cancer Syndrome; Neoplastic Syndromes, Hereditary; Tumor predisposition; Hereditary neoplastic syndrome. Identifiers: Orphanet 140162, MedGen C0027672, MeSH D009386, MONDO:0015356.
Familial cancer of breast. Also called: BREAST CANCER, FAMILIAL; Hereditary breast cancer; hereditary breast carcinoma. Identifiers: Orphanet 227535, MedGen C0346153, MONDO:0016419, OMIM 114480. Disease mechanism: loss of function.

Submissions (2):

Myriad Genetics, Inc.
Classification: Benign for Familial cancer of breast. Last evaluated: 2024-05-22. Review status: criteria provided, single submitter. Criteria: Myriad Autosomal Dominant, Autosomal Recessive and X-Linked Classification Criteria (2023). Collection method: clinical testing. Allele origin: unknown.
Comment: This variant is considered benign. This variant is a silent/synonymous amino acid change and it is not expected to impact splicing.

Ambry Genetics
Classification: Likely benign for Hereditary cancer-predisposing syndrome. Last evaluated: 2021-10-10. Review status: criteria provided, single submitter. Criteria: Ambry Variant Classification Scheme 2023. Collection method: clinical testing. Allele origin: germline.